The following is an entry in ClinVar:

ClinVar aggregate classification (germline): Uncertain significance (1 of 4 stars; one submission).

Allele frequency attached by ClinVar (database versions not stated): gnomAD exomes below 0.00001.
gnomAD v4.1: 1 of 1,612,692 alleles (0.000062%); highest among the groups gnomAD compares: Non-Finnish European, 0.000085%; no homozygotes.

Submission:

GeneDx
Classification: Uncertain significance. Last evaluated: 2023-08-07. Review status: criteria provided, single submitter. Criteria: GeneDx Variant Classification Process June 2021. Collection method: clinical testing. Allele origin: germline. Affected: yes.
Comment: Not observed at significant frequency in large population cohorts (gnomAD); In silico analysis supports that this missense variant has a deleterious effect on protein structure/function; Has not been previously published as pathogenic or benign to our knowledge

NM_001287491.2(TET3):c.4195G>A (p.Glu1399Lys)

Gene: TET3 (tet methylcytosine dioxygenase 3; plus strand). Cytogenetic location: 2p13.1.
Variant type: single nucleotide variant.
Coding change: c.4195G>A on transcript NM_001287491.2 (MANE Select); coding-DNA position 4195, G replaced by A.
Protein change: p.Glu1399Lys; replaces glutamic acid 1399 with lysine.
Molecular consequence: missense variant.
Genome position (GRCh38, 1-based): chr2:74,100,983, G>A. VCF-style: chr2-74100983-G-A. GRCh37 (hg19) VCF-style: chr2-74328110-G-A.
Other names: c.3916G>A, p.Glu1306Lys (NM_001366022.1); short protein forms E1306K, E1399K.
Identifiers: ClinVar variation 3253252 (VCV003253252.1), dbSNP rs2528191241.
Genomic context (GRCh38, chr2:74,100,983, plus strand): 5'-TCCAGGGACCCCTCCCCCTTTGCCCAGAGCTCCAACTGCTACAACAGATCCATCAAGCAA[G>A]AGCCAGTAGACCCGCTGACCCAGGCTGAGCCTGTGCCCAGAGACGCTGGCAAGATGGGCA-3'
Protein context (NP_001274420.1, residues 1389-1409): SNCYNRSIKQ[Glu1399Lys]PVDPLTQAEP